The following is an entry in ClinVar:

ClinVar aggregate classification (germline): Uncertain significance (1 of 4 stars; one submission).

Submission:

Labcorp Genetics (formerly Invitae), Labcorp
Classification: Uncertain significance. Last evaluated: 2022-08-09. Review status: criteria provided, single submitter. Criteria: Invitae Variant Classification Sherloc (09022015). Collection method: clinical testing. Allele origin: germline.
Comment: In summary, the available evidence is currently insufficient to determine the role of this variant in disease. Therefore, it has been classified as a Variant of Uncertain Significance. This variant has not been reported in the literature in individuals affected with DSCAML1-related conditions. This variant is not present in population databases (gnomAD no frequency). This variant, c.5872_5873insGCCTCTGTGATTCCT, results in the insertion of 5 amino acid(s) of the DSCAML1 protein (p.Asp1957_Tyr1958insCysLeuCysAspSer), but otherwise preserves the integrity of the reading frame.

NM_020693.4(DSCAML1):c.5692_5693insGCCTCTGTGATTCCT (p.Asp1897_Tyr1898insCysLeuCysAspSer)

Gene: DSCAML1 (DS cell adhesion molecule like 1; minus strand). Cytogenetic location: 11q23.3.
Variant type: Insertion.
Coding change: c.5692_5693insGCCTCTGTGATTCCT on transcript NM_020693.4 (MANE Select); coding-DNA positions 5692 to 5693, GCCTCTGTGATTCCT inserted.
Protein change: p.Asp1897_Tyr1898insCysLeuCysAspSer.
Molecular consequence: inframe insertion.
Genome position: GRCh38 VCF-style: chr11-117428797-T-TAGGAATCACAGAGGC. GRCh37 (hg19) VCF-style: chr11-117299513-T-TAGGAATCACAGAGGC.
Identifiers: ClinVar variation 1902107 (VCV001902107.5), dbSNP rs2047721928, ClinGen allele CA942651384.